The following is an entry in ClinVar:

NM_002474.3(MYH11):c.291C>A (p.Asn97Lys)

Gene: MYH11 (myosin heavy chain 11; minus strand). Cytogenetic location: 16p13.11.
Variant type: single nucleotide variant.
Coding change: c.291C>A on transcript NM_002474.3 (MANE Select); coding-DNA position 291, C replaced by A.
Protein change: p.Asn97Lys; replaces asparagine 97 with lysine.
Molecular consequence: missense variant.
Genome position (GRCh38, 1-based): chr16:15,837,962, G>T on the plus strand (C>A on the coding strand, the complement: MYH11 is on the minus strand). VCF-style: chr16-15837962-G-T. GRCh37 (hg19) VCF-style: chr16-15931819-G-T.
Other names: c.291C>A, p.Asn97Lys (NM_001040113.2, NM_001040114.2, NM_022844.3); short protein forms N97K.
Identifiers: ClinVar variation 921634 (VCV000921634.5), dbSNP rs113363750, ClinGen allele CA395198250.
Genomic context (GRCh38, chr16:15,837,962, plus strand): 5'-ACTCACATATATTAGCCCTGAGAAGTACCGCTCCCTCAGGTTGTGTAGCACGGAGGCTTC[G>T]TTGAGGCACGTCAGCTCCGCCATGTCCTCCACCTTGGAGAACTTGGGTGGGTTCATCTTC-3'
Protein context (NP_002465.1, residues 87-107): VEDMAELTCL[Asn97Lys]EASVLHNLRE

ClinVar aggregate classification (germline): Uncertain significance (1 of 4 stars; one submission).

Conditions:
Familial thoracic aortic aneurysm and aortic dissection (TAAD). Also called: Thoracic aortic aneurysms and dissections. Identifiers: Orphanet 91387, MedGen C4707243, MONDO:0019625.

Submission:

Color Diagnostics, LLC DBA Color Health
Classification: Uncertain significance for Familial thoracic aortic aneurysm and aortic dissection. Last evaluated: 2023-12-04. Review status: criteria provided, single submitter. Criteria: ACMG Guidelines, 2015. Collection method: clinical testing. Allele origin: germline.
Comment: Variant of Uncertain Significance due to insufficient evidence: This missense variant is located in the myosin motor domain of the MYH11 protein. Computational prediction tools and conservation analyses are inconclusive regarding the impact of this variant on the protein function. Computational splicing tools suggest that this variant may not impact RNA splicing. To our knowledge, functional assays have not been performed for this variant nor has this variant been reported in individuals affected with cardiovascular disorders in the literature. This variant is rare in the general population and has been identified in 0/277264 chromosomes by the Genome Aggregation Database (gnomAD). Available evidence is insufficient to determine the role of this variant in disease conclusively.